The following is an entry in ClinVar:

NM_000516.7(GNAS):c.489C>G (p.Tyr163Ter)

Gene: GNAS (GNAS complex locus; plus strand). Cytogenetic location: 20q13.32.
Variant type: single nucleotide variant.
Coding change: c.489C>G on transcript NM_000516.7 (MANE Select); coding-DNA position 489, C replaced by G.
Protein change: p.Tyr163Ter; replaces tyrosine 163 with a stop codon.
Molecular consequence: nonsense. On other transcripts: 3 prime UTR variant (2).
Genome position (GRCh38, 1-based): chr20:58,905,439, C>G. VCF-style: chr20-58905439-C-G. GRCh37 (hg19) VCF-style: chr20-57480494-C-G.
Other names: c.492C>G, p.Tyr164Ter (NM_001077488.5); c.444C>G, p.Tyr148Ter (NM_001077489.4); c.*350C>G (NM_001077490.3); c.312C>G, p.Tyr104Ter (NM_001309840.2, NM_001309861.2); c.*395C>G (NM_016592.5); c.2418C>G, p.Tyr806Ter (NM_080425.4); c.447C>G, p.Tyr149Ter (NM_080426.4); short protein forms Y163X, Y104*, Y148*, Y149*, Y164*, Y806*.
Identifiers: ClinVar variation 1065883 (VCV001065883.4), dbSNP rs372290095, ClinGen allele CA409451215.

ClinVar aggregate classification (germline): Pathogenic. Review status: criteria provided, multiple submitters, no conflicts (2 of 4 stars). 2 submissions from 2 submitters: Pathogenic (2). Last evaluated 2023-10-26.

Conditions:
Pseudohypoparathyroidism type I A (PHP1A). Also called: Pseudohypoparathyroidism Type IA; PHP IA; Pseudohypoparathyroidism type 1A; Pseudohypoparathyroidism Ia (PHP-Ia); ALBRIGHT HEREDITARY OSTEODYSTROPHY WITH MULTIPLE HORMONE RESISTANCE. Identifiers: Orphanet 79443, MedGen C3494506, MONDO:0007078, OMIM 103580.

Submissions (2):

Labcorp Genetics (formerly Invitae), Labcorp
Classification: Pathogenic. Last evaluated: 2023-10-26. Review status: criteria provided, single submitter. Criteria: Invitae Variant Classification Sherloc (09022015). Collection method: clinical testing. Allele origin: germline.
Comment: This sequence change creates a premature translational stop signal (p.Tyr163*) in the GNAS gene. It is expected to result in an absent or disrupted protein product. Loss-of-function variants in GNAS are known to be pathogenic (PMID: 11784876, 23281139, 23796510, 25802881). This variant is not present in population databases (gnomAD no frequency). This premature translational stop signal has been observed in individual(s) with clinical features of GNAS-related conditions (PMID: 10980525, 29059381, 34614324). ClinVar contains an entry for this variant (Variation ID: 1065883). For these reasons, this variant has been classified as Pathogenic.

Genetics of Obesity Study, University of Cambridge
Classification: Pathogenic for Pseudohypoparathyroidism type I A. Last evaluated: 2020-06-01. Review status: criteria provided, single submitter. Criteria: ACMG Guidelines, 2015. Collection method: research. Allele origin: germline. Affected: yes.

Literature cited by the submitters: PubMed 11784876 (cited by Labcorp Genetics (formerly Invitae), Labcorp); PubMed 23281139 (cited by Labcorp Genetics (formerly Invitae), Labcorp); PubMed 23796510 (cited by Labcorp Genetics (formerly Invitae), Labcorp); PubMed 25802881 (cited by Labcorp Genetics (formerly Invitae), Labcorp); PubMed 10980525 (cited by Labcorp Genetics (formerly Invitae), Labcorp); PubMed 29059381 (cited by Labcorp Genetics (formerly Invitae), Labcorp); PubMed 34614324 (cited by Labcorp Genetics (formerly Invitae), Labcorp and Genetics of Obesity Study, University of Cambridge).